The following is an entry in ClinVar:

NM_005359.6(SMAD4):c.1658G>C (p.Ter553Ser)

Gene: SMAD4 (SMAD family member 4; plus strand). Cytogenetic location: 18q21.2.
Variant type: single nucleotide variant.
Coding change: c.1658G>C on transcript NM_005359.6 (MANE Select); coding-DNA position 1658, G replaced by C.
Protein change: p.Ter553Ser.
Molecular consequence: stop lost.
Genome position (GRCh38, 1-based): chr18:51,078,466, G>C. VCF-style: chr18-51078466-G-C. GRCh37 (hg19) VCF-style: chr18-48604836-G-C.
Other names: c.1658G>C (NM_005359.5).
Identifiers: ClinVar variation 1467441 (VCV001467441.10), dbSNP rs2144479903, ClinGen allele CA402466247.

ClinVar aggregate classification (germline): Uncertain significance. Review status: criteria provided, multiple submitters, no conflicts (2 of 4 stars). 2 submissions from 2 submitters: Uncertain significance (2). Last evaluated 2025-11-10.

Conditions:
Hereditary cancer-predisposing syndrome. Also called: Neoplastic Syndromes, Hereditary; Hereditary Cancer Syndrome; Tumor predisposition; Hereditary neoplastic syndrome. Identifiers: Orphanet 140162, MedGen C0027672, MeSH D009386, MONDO:0015356.
Familial thoracic aortic aneurysm and aortic dissection (TAAD). Also called: Thoracic aortic aneurysms and dissections. Identifiers: Orphanet 91387, MedGen C4707243, MONDO:0019625.
Juvenile polyposis syndrome (JPS). Identifiers: Orphanet 2929, MedGen C0345893, MONDO:0017380, OMIM 174900.

Submissions (2):

Ambry Genetics
Classification: Uncertain significance for Hereditary cancer-predisposing syndrome; Familial thoracic aortic aneurysm and aortic dissection. Last evaluated: 2025-11-10. Review status: criteria provided, single submitter. Criteria: Ambry Variant Classification Scheme 2023. Collection method: clinical testing. Allele origin: germline.
Comment: The c.1658G>C variant (also known as p.*553Sext*40), located in coding exon 11 of the SMAD4 gene, results from a G to C substitution at nucleotide position 1658. This alteration disrupts the stop codon and is predicted to preserve the native sequence while resulting in the elongation of the protein by 40 amino acids. The exact functional effect of the additional amino acids is unknown. In an assay testing SMAD4 function, this variant showed a functionally abnormal result (Dhamija S et al. Nat Cell Biol, 2020 Aug;22:999-1010). This variant was reported in individual(s) with features consistent with SMAD4-related disease (Ambry internal data). Based on the available evidence, the clinical significance of this variant remains unclear.

Labcorp Genetics (formerly Invitae), Labcorp
Classification: Uncertain significance for Juvenile polyposis syndrome. Last evaluated: 2022-05-01. Review status: criteria provided, single submitter. Criteria: Invitae Variant Classification Sherloc (09022015). Collection method: clinical testing. Allele origin: germline.
Comment: In summary, the available evidence is currently insufficient to determine the role of this variant in disease. Therefore, it has been classified as a Variant of Uncertain Significance. This variant has not been reported in the literature in individuals affected with SMAD4-related conditions. This variant is not present in population databases (gnomAD no frequency). This sequence change disrupts the translational stop signal of the SMAD4 mRNA. It is expected to extend the length of the SMAD4 protein by 40 additional amino acid residues.

Literature cited by the submitters: PubMed 32719554 (cited by Ambry Genetics).